The following is an entry in ClinVar:

ClinVar aggregate classification (germline): Benign (1 of 4 stars; one submission).

Allele frequency attached by ClinVar (database versions not stated): ESP Exome Variant Server 0.03083; TOPMed 0.14522; 1000 Genomes Project 30x 0.15584; 1000 Genomes Project 0.15835.
gnomAD v4.1: 202,654 of 1,538,678 alleles (13%); highest among the groups gnomAD compares: Admixed American, 27%; 14,715 homozygotes.

Submission:

Unidad de Genómica Garrahan, Hospital de Pediatría Garrahan
Classification: Benign. Last evaluated: 2024-01-24. Review status: criteria provided, single submitter. Criteria: ACMG Guidelines, 2015. Collection method: clinical testing. Allele origin: germline. Affected: no. Observed: 43 variant alleles.
Comment: This variant is classified as Benign based on local population frequency. This variant was detected in 45% of patients studied by a panel of primary immunodeficiencies. Number of patients: 43. Only high quality variants are reported.

NM_001144958.2(CRACR2A):c.229-47C>G

Gene: CRACR2A (calcium release activated channel regulator 2A; minus strand). Cytogenetic location: 12p13.32.
Variant type: single nucleotide variant.
Coding change: c.229-47C>G on transcript NM_001144958.2 (MANE Select); 47 bases into the intron before coding-DNA position 229, C replaced by G.
Molecular consequence: intron variant.
Genome position (GRCh38, 1-based): chr12:3,680,396, G>C on the plus strand (C>G on the coding strand, the complement: CRACR2A is on the minus strand). VCF-style: chr12-3680396-G-C. GRCh37 (hg19) VCF-style: chr12-3789562-G-C.
Other names: c.229-47C>G (NM_032680.4).
Identifiers: ClinVar variation 2688143 (VCV002688143.2), dbSNP rs61537702, ClinGen allele CA6394764.